The following is an entry in ClinVar:

ClinVar aggregate classification (germline): Uncertain significance (1 of 4 stars; one submission).

Conditions:
Carnitine palmitoyltransferase II deficiency. Also called: Carnitine Palmitoyltransferase 2 Deficiency. Identifiers: Orphanet 157, MedGen C0342790, MONDO:0015515.

Submission:

Labcorp Genetics (formerly Invitae), Labcorp
Classification: Uncertain significance for Carnitine palmitoyltransferase II deficiency. Last evaluated: 2021-08-16. Review status: criteria provided, single submitter. Criteria: Invitae Variant Classification Sherloc (09022015). Collection method: clinical testing. Allele origin: germline.
Comment: This variant is not present in population databases (ExAC no frequency). This sequence change replaces glutamic acid with lysine at codon 432 of the CPT2 protein (p.Glu432Lys). The glutamic acid residue is moderately conserved and there is a small physicochemical difference between glutamic acid and lysine. This variant has not been reported in the literature in individuals with CPT2-related conditions. In summary, the available evidence is currently insufficient to determine the role of this variant in disease. Therefore, it has been classified as a Variant of Uncertain Significance. Algorithms developed to predict the effect of missense changes on protein structure and function (SIFT, PolyPhen-2, Align-GVGD) all suggest that this variant is likely to be tolerated, but these predictions have not been confirmed by published functional studies and their clinical significance is uncertain.

NM_000098.3(CPT2):c.1294G>A (p.Glu432Lys)

Gene: CPT2 (carnitine palmitoyltransferase 2; plus strand). Cytogenetic location: 1p32.3.
Variant type: single nucleotide variant.
Coding change: c.1294G>A on transcript NM_000098.3 (MANE Select); coding-DNA position 1294, G replaced by A.
Protein change: p.Glu432Lys; replaces glutamic acid 432 with lysine.
Molecular consequence: missense variant.
Genome position (GRCh38, 1-based): chr1:53,210,968, G>A. VCF-style: chr1-53210968-G-A. GRCh37 (hg19) VCF-style: chr1-53676640-G-A.
Other names: c.1294G>A, p.Glu432Lys (NM_001330589.2); short protein forms E432K.
Identifiers: ClinVar variation 1020753 (VCV001020753.9), dbSNP rs1645422133, ClinGen allele CA340394951.